The following is an entry in ClinVar:

NM_006205.3(PDE6H):c.237G>C (p.Gln79His)

Gene: PDE6H (phosphodiesterase 6H; plus strand). Cytogenetic location: 12p12.3.
Variant type: single nucleotide variant.
Coding change: c.237G>C on transcript NM_006205.3 (MANE Select); coding-DNA position 237, G replaced by C.
Protein change: p.Gln79His; replaces glutamine 79 with histidine.
Molecular consequence: missense variant.
Genome position (GRCh38, 1-based): chr12:14,981,461, G>C. VCF-style: chr12-14981461-G-C. GRCh37 (hg19) VCF-style: chr12-15134395-G-C.
Other names: short protein forms Q79H.
Identifiers: ClinVar variation 1098417 (VCV001098417.10), dbSNP rs564659543, ClinGen allele CA6465917.

ClinVar aggregate classification (germline): Uncertain significance. Review status: criteria provided, multiple submitters, no conflicts (2 of 4 stars). 3 submissions from 3 submitters: Uncertain significance (3). Last evaluated 2025-10-21.

Conditions:
Achromatopsia 6. Also called: RETINAL CONE DYSTROPHY 3A; CONE DYSTROPHY WITH NIGHT BLINDNESS AND SUPERNORMAL ROD RESPONSES, PDE6H-RELATED. Identifiers: Orphanet 49382, MedGen C1864900, MONDO:0012398, OMIM 610024.

Allele frequency attached by ClinVar (database versions not stated): gnomAD 0.00005; gnomAD exomes 0.00007 and 0.00016; ExAC 0.00018; 1000 Genomes Project 0.00080; 1000 Genomes Project 30x 0.00094.
gnomAD v4.1: 103 of 1,612,926 alleles (0.0064%); highest among the groups gnomAD compares: South Asian, 0.11%; 1 homozygote.

Submissions (3):

Labcorp Genetics (formerly Invitae), Labcorp
Classification: Uncertain significance. Last evaluated: 2025-10-21. Review status: criteria provided, single submitter. Criteria: Invitae Variant Classification Sherloc (09022015). Collection method: clinical testing. Allele origin: germline.
Comment: This sequence change replaces glutamine, which is neutral and polar, with histidine, which is basic and polar, at codon 79 of the PDE6H protein (p.Gln79His). This variant is present in population databases (rs564659543, gnomAD 0.1%). This variant has not been reported in the literature in individuals affected with PDE6H-related conditions. ClinVar contains an entry for this variant (Variation ID: 1098417). An algorithm developed to predict the effect of missense changes on protein structure and function (PolyPhen-2) suggests that this variant is likely to be disruptive. In summary, the available evidence is currently insufficient to determine the role of this variant in disease. Therefore, it has been classified as a Variant of Uncertain Significance.

Blueprint Genetics
Classification: Uncertain significance. Last evaluated: 2024-05-13. Review status: criteria provided, single submitter. Criteria: ACMG Guidelines, 2015. Collection method: clinical testing. Allele origin: germline.

Foundation for Research in Genetics and Endocrinology, FRIGE's Institute of Human Genetics
Classification: Uncertain significance for Achromatopsia 6. Last evaluated: 2021-02-12. Review status: criteria provided, single submitter. Criteria: ACMG Guidelines, 2015. Collection method: clinical testing. Allele origin: germline. Inheritance: Autosomal dominant inheritance. Affected: yes. Observed: 1 variant allele, 1 heterozygote.
Comment: A heterozygous missense variation in exon 4 of the PDE6H gene that results in the amino acid substitution of Histidine for Glutamine at codon 79 was detected. The observed variant c.237G>C (p.Gln79His) has not been reported in the 1000 genomes and gnomAD databases. The in silico prediction of the variant are possibly damaging by PolyPhen-2 (HumDiv), SIFT, LRT and MutationTaster2. The reference codon is conserved across species. In summary, the variant meets our criteria to be classified as a variant of uncertain significance.